The following is an entry in ClinVar:

NM_012096.3(APPL1):c.1996C>G (p.Gln666Glu)

Genes: APPL1 (adaptor protein, phosphotyrosine interacting with PH domain and leucine zipper 1; plus strand), ASB14 (ankyrin repeat and SOCS box containing 14; minus strand). Cytogenetic location: 3p14.3.
Variant type: single nucleotide variant.
Coding change: c.1996C>G on transcript NM_012096.3 (MANE Select); coding-DNA position 1996, C replaced by G.
Protein change: p.Gln666Glu; replaces glutamine 666 with glutamic acid.
Molecular consequence: missense variant. On other transcripts: 3 prime UTR variant (2).
Genome position (GRCh38, 1-based): chr3:57,269,553, C>G. VCF-style: chr3-57269553-C-G. GRCh37 (hg19) VCF-style: chr3-57303581-C-G.
Other names: c.*88G>C (NM_001142733.3, NM_130387.5); short protein forms Q666E.
Identifiers: ClinVar variation 3670410 (VCV003670410.2).

ClinVar aggregate classification (germline): Uncertain significance (1 of 4 stars; one submission).

Submission:

Labcorp Genetics (formerly Invitae), Labcorp
Classification: Uncertain significance. Last evaluated: 2024-03-18. Review status: criteria provided, single submitter. Criteria: Invitae Variant Classification Sherloc (09022015). Collection method: clinical testing. Allele origin: germline.
Comment: This sequence change replaces glutamine, which is neutral and polar, with glutamic acid, which is acidic and polar, at codon 666 of the APPL1 protein (p.Gln666Glu). This variant is not present in population databases (gnomAD no frequency). This variant has not been reported in the literature in individuals affected with APPL1-related conditions. Advanced modeling of protein sequence and biophysical properties (such as structural, functional, and spatial information, amino acid conservation, physicochemical variation, residue mobility, and thermodynamic stability) performed at Invitae indicates that this missense variant is not expected to disrupt APPL1 protein function with a negative predictive value of 80%. In summary, the available evidence is currently insufficient to determine the role of this variant in disease. Therefore, it has been classified as a Variant of Uncertain Significance.